The following is an entry in ClinVar:

ClinVar aggregate classification (germline): Uncertain significance (1 of 4 stars; one submission).

Conditions:
Inborn genetic diseases. Identifiers: MedGen C0950123, MeSH D030342.

Submission:

Ambry Genetics
Classification: Uncertain significance for Inborn genetic diseases. Last evaluated: 2026-01-06. Review status: criteria provided, single submitter. Criteria: Ambry Variant Classification Scheme 2023. Collection method: clinical testing. Allele origin: germline.
Comment: The p.Q408R variant (also known as c.1223A>G), located in coding exon 5 of the SH2B3 gene, results from an A to G substitution at nucleotide position 1223. The glutamine at codon 408 is replaced by arginine, an amino acid with highly similar properties. This amino acid position is conserved. In addition, the in silico prediction for this alteration is inconclusive. Based on the available evidence, the clinical significance of this variant remains unclear.

NM_005475.3(SH2B3):c.1223A>G (p.Gln408Arg)

Gene: SH2B3 (SH2B adaptor protein 3; plus strand). Cytogenetic location: 12q24.12.
Variant type: single nucleotide variant.
Coding change: c.1223A>G on transcript NM_005475.3 (MANE Select); coding-DNA position 1223, A replaced by G.
Protein change: p.Gln408Arg; replaces glutamine 408 with arginine.
Molecular consequence: missense variant.
Genome position (GRCh38, 1-based): chr12:111,447,531, A>G. VCF-style: chr12-111447531-A-G. GRCh37 (hg19) VCF-style: chr12-111885335-A-G.
Other names: c.617A>G, p.Gln206Arg (NM_001291424.1); short protein forms Q206R, Q408R.
Identifiers: ClinVar variation 4842828 (VCV004842828.1).